The following is an entry in ClinVar:

NM_004385.5(VCAN):c.6839A>G (p.Asn2280Ser)

Genes: VCAN (versican; plus strand), VCAN-AS1 (VCAN antisense RNA 1; minus strand). Cytogenetic location: 5q14.3.
Variant type: single nucleotide variant.
Coding change: c.6839A>G on transcript NM_004385.5 (MANE Select); coding-DNA position 6839, A replaced by G.
Protein change: p.Asn2280Ser; replaces asparagine 2280 with serine.
Molecular consequence: missense variant. On other transcripts: intron variant (2).
Genome position (GRCh38, 1-based): chr5:83,539,842, A>G. VCF-style: chr5-83539842-A-G. GRCh37 (hg19) VCF-style: chr5-82835661-A-G.
Other names: c.3878A>G, p.Asn1293Ser (NM_001164097.2); c.4004-5695A>G (NM_001164098.2); c.1043-5695A>G (NM_001126336.3); short protein forms N1293S, N2280S.
Identifiers: ClinVar variation 1895727 (VCV001895727.5), dbSNP rs996154023, ClinGen allele CA121810513.
Genomic context (GRCh38, chr5:83,539,842, plus strand): 5'-AAGAAGTTTTACCTACTCTACCAACAGAGTCAGTGAATTTTACTGAAGTGGAACAAATCA[A>G]TAACACATTATATCCCCACACTTCTCAAGTGGAAAGTACCTCAAGTGACAAAATTGAAGA-3'
Protein context (NP_004376.2, residues 2270-2290): SVNFTEVEQI[Asn2280Ser]NTLYPHTSQV

ClinVar aggregate classification (germline): Uncertain significance (1 of 4 stars; one submission).

Allele frequency attached by ClinVar (database versions not stated): gnomAD exomes below 0.00001; TOPMed 0.00001; gnomAD 0.00003.
gnomAD v4.1: 11 of 1,613,950 alleles (0.00068%); highest among the groups gnomAD compares: Admixed American, 0.013%; no homozygotes.

Submission:

Labcorp Genetics (formerly Invitae), Labcorp
Classification: Uncertain significance. Last evaluated: 2025-10-09. Review status: criteria provided, single submitter. Criteria: Invitae Variant Classification Sherloc (09022015). Collection method: clinical testing. Allele origin: germline.
Comment: This sequence change replaces asparagine, which is neutral and polar, with serine, which is neutral and polar, at codon 2280 of the VCAN protein (p.Asn2280Ser). The frequency data for this variant in the population databases is considered unreliable, as metrics indicate poor data quality at this position in the gnomAD database. This variant has not been reported in the literature in individuals affected with VCAN-related conditions. ClinVar contains an entry for this variant (Variation ID: 1895727). An algorithm developed to predict the effect of missense changes on protein structure and function (PolyPhen-2) suggests that this variant is likely to be tolerated. In summary, the available evidence is currently insufficient to determine the role of this variant in disease. Therefore, it has been classified as a Variant of Uncertain Significance.